The following is an entry in ClinVar:

NM_004656.4(BAP1):c.1223A>G (p.Asp408Gly)

Gene: BAP1 (BRCA1 associated deubiquitinase 1; minus strand). Cytogenetic location: 3p21.1.
Variant type: single nucleotide variant.
Coding change: c.1223A>G on transcript NM_004656.4 (MANE Select); coding-DNA position 1223, A replaced by G.
Protein change: p.Asp408Gly; replaces aspartic acid 408 with glycine.
Molecular consequence: missense variant.
Genome position (GRCh38, 1-based): chr3:52,404,480, T>C on the plus strand (A>G on the coding strand, the complement: BAP1 is on the minus strand). VCF-style: chr3-52404480-T-C. GRCh37 (hg19) VCF-style: chr3-52438496-T-C.
Other names: c.1169A>G, p.Asp390Gly (NM_001410772.1); short protein forms D390G, D408G.
Identifiers: ClinVar variation 3478009 (VCV003478009.3).

ClinVar aggregate classification (germline): Uncertain significance. Review status: criteria provided, multiple submitters, no conflicts (2 of 4 stars). 2 submissions from 2 submitters: Uncertain significance (2). Last evaluated 2024-12-04.

Conditions:
Hereditary cancer-predisposing syndrome. Also called: Tumor predisposition; Neoplastic Syndromes, Hereditary; Hereditary neoplastic syndrome; Hereditary Cancer Syndrome. Identifiers: Orphanet 140162, MedGen C0027672, MeSH D009386, MONDO:0015356.
BAP1-related tumor predisposition syndrome (TPDS1). Also called: COMMON Syndrome; TUMOR PREDISPOSITION SYNDROME 1; BAP1 tumor predisposition syndrome; Tumor susceptibility linked to germline BAP1 mutations. Identifiers: Orphanet 289539, MedGen C3280492, MONDO:0013692, OMIM 614327.

Submissions (2):

Ambry Genetics
Classification: Uncertain significance for Hereditary cancer-predisposing syndrome. Last evaluated: 2024-12-04. Review status: criteria provided, single submitter. Criteria: Ambry Variant Classification Scheme 2023. Collection method: clinical testing. Allele origin: germline.
Comment: The p.D408G variant (also known as c.1223A>G), located in coding exon 12 of the BAP1 gene, results from an A to G substitution at nucleotide position 1223. The aspartic acid at codon 408 is replaced by glycine, an amino acid with similar properties. This amino acid position is conserved. In addition, this alteration is predicted to be tolerated by in silico analysis. Based on the available evidence, the clinical significance of this variant remains unclear.

Labcorp Genetics (formerly Invitae), Labcorp
Classification: Uncertain significance for BAP1-related tumor predisposition syndrome. Last evaluated: 2024-11-17. Review status: criteria provided, single submitter. Criteria: Invitae Variant Classification Sherloc (09022015). Collection method: clinical testing. Allele origin: germline.
Comment: This sequence change replaces aspartic acid, which is acidic and polar, with glycine, which is neutral and non-polar, at codon 408 of the BAP1 protein (p.Asp408Gly). This variant is not present in population databases (gnomAD no frequency). This variant has not been reported in the literature in individuals affected with BAP1-related conditions. Invitae Evidence Modeling of protein sequence and biophysical properties (such as structural, functional, and spatial information, amino acid conservation, physicochemical variation, residue mobility, and thermodynamic stability) indicates that this missense variant is not expected to disrupt BAP1 protein function with a negative predictive value of 80%. In summary, the available evidence is currently insufficient to determine the role of this variant in disease. Therefore, it has been classified as a Variant of Uncertain Significance.